The following is an entry in ClinVar:

NM_001244008.2(KIF1A):c.1275C>T (p.Ser425=)

Gene: KIF1A (kinesin family member 1A; minus strand). Cytogenetic location: 2q37.3.
Variant type: single nucleotide variant.
Coding change: c.1275C>T on transcript NM_001244008.2 (MANE Select); coding-DNA position 1275, C replaced by T.
Protein change: p.Ser425=; no amino-acid change (serine 425 retained).
Molecular consequence: synonymous variant.
Genome position (GRCh38, 1-based): chr2:240,771,037, G>A on the plus strand (C>T on the coding strand, the complement: KIF1A is on the minus strand). VCF-style: chr2-240771037-G-A. GRCh37 (hg19) VCF-style: chr2-241710454-G-A.
Other names: c.1275C>T, p.Ser425= (NM_001320705.2, NM_001330289.2, NM_001379638.1); c.1350C>T, p.Ser450= (NM_001330290.2, NM_001379631.1, NM_001379634.1 and 2 more transcripts); c.1248C>T, p.Ser416= (NM_001379632.1, NM_001379633.1, NM_001379636.1 and 10 more transcripts); c.1323C>T, p.Ser441= (NM_001379637.1, NM_001379648.1); c.1275C>T (NM_001244008.1).
Identifiers: ClinVar variation 772659 (VCV000772659.16), dbSNP rs756211604, ClinGen allele CA2208460.
Genomic context (GRCh38, chr2:240,771,037, plus strand): 5'-TCTTTCAATGGCCTCCTCGCTGCCCGGGGCAAACAAGATGCGCTCGTGGAGGCTGGACAC[G>A]GAGGCCGCGCGGCTGGACAGGGCTGAGAGCGAGGATGAGGGGCTCATACCCACCAGGGCA-3'
Protein context (NP_001230937.1, residues 415-435): SLSALSSRAA[Ser425=]VSSLHERILF

ClinVar aggregate classification (germline): Likely benign. Review status: criteria provided, multiple submitters, no conflicts (2 of 4 stars). 5 submissions from 5 submitters: Likely benign (4). 1 of the submissions does not count toward it. Last evaluated 2026-04-24.

Conditions:
Intellectual disability, autosomal dominant 9 (NESCAVS). Also called: NESCAV SYNDROME; KIF1A-Related Neurodevelopmental Disorder. Identifiers: Orphanet 662367, MedGen C5393830, MONDO:0013656, OMIM 614255.
Hereditary spastic paraplegia 30. Identifiers: Orphanet 101010, MedGen C5235139, MONDO:0012476.
Neuropathy, hereditary sensory, type 2C. Also called: KIF1A-Related HSAN2 (HSAN2C); Hereditary sensory and autonomic neuropathy type IIC. Identifiers: Orphanet 970, MedGen C3280168, MONDO:0013634, OMIM 614213.
KIF1A-related disorder. Also called: KIF1A-related disorders; KIF1A-related condition.
Inborn genetic diseases. Identifiers: MedGen C0950123, MeSH D030342.

Allele frequency attached by ClinVar (database versions not stated): gnomAD 0.00002; gnomAD exomes 0.00002 and 0.00006; ExAC 0.00003; TOPMed 0.00003.
gnomAD v4.1: 96 of 1,613,152 alleles (0.006%); highest among the groups gnomAD compares: Non-Finnish European, 0.0068%; no homozygotes.

Submissions (5):

Women's Health and Genetics/Laboratory Corporation of America, LabCorp
Classification: Likely benign. Last evaluated: 2026-04-24. Review status: criteria provided, single submitter. Criteria: LabCorp Variant Classification Summary - May 2015. Collection method: clinical testing. Allele origin: germline.

Labcorp Genetics (formerly Invitae), Labcorp
Classification: Likely benign for Hereditary spastic paraplegia 30; Neuropathy, hereditary sensory, type 2C; Intellectual disability, autosomal dominant 9. Last evaluated: 2025-07-09. Review status: criteria provided, single submitter. Criteria: Invitae Variant Classification Sherloc (09022015). Collection method: clinical testing. Allele origin: germline.

Blueprint Genetics
Classification: Likely benign. Last evaluated: 2023-06-20. Review status: criteria provided, single submitter. Criteria: ACMG Guidelines, 2015. Collection method: clinical testing. Allele origin: germline.

Ambry Genetics
Classification: Likely benign for Inborn genetic diseases. Last evaluated: 2017-11-02. Review status: criteria provided, single submitter. Criteria: Ambry Variant Classification Scheme 2023. Collection method: clinical testing. Allele origin: germline.

PreventionGenetics, part of Exact Sciences
Classification: Likely benign for KIF1A-related condition. Last evaluated: 2024-08-23. Review status: no assertion criteria provided. Collection method: clinical testing. Allele origin: germline. Not counted in ClinVar's aggregate classification.
Comment: This variant is classified as likely benign based on ACMG/AMP sequence variant interpretation guidelines (Richards et al. 2015 PMID: 25741868, with internal and published modifications).